The following is an entry in ClinVar:

NM_015102.5(NPHP4):c.1180T>G (p.Trp394Gly)

Gene: NPHP4 (nephrocystin 4; minus strand). Cytogenetic location: 1p36.31.
Variant type: single nucleotide variant.
Coding change: c.1180T>G on transcript NM_015102.5 (MANE Select); coding-DNA position 1180, T replaced by G.
Protein change: p.Trp394Gly; replaces tryptophan 394 with glycine.
Molecular consequence: missense variant. On other transcripts: 5 prime UTR variant (2), non-coding transcript variant (1).
Genome position (GRCh38, 1-based): chr1:5,933,269, A>C on the plus strand (T>G on the coding strand, the complement: NPHP4 is on the minus strand). VCF-style: chr1-5933269-A-C. GRCh37 (hg19) VCF-style: chr1-5993329-A-C.
Other names: c.1180T>G (NM_015102.4); c.-187T>G (NM_001291593.2, NM_001291594.2); short protein forms W394G.
Identifiers: ClinVar variation 1461225 (VCV001461225.7), dbSNP rs1646370640, ClinGen allele CA338061625.

ClinVar aggregate classification (germline): Uncertain significance. Review status: criteria provided, single submitter (1 of 4 stars). 2 submissions from 2 submitters: Uncertain significance (1). 1 of the submissions does not count toward it. Last evaluated 2022-10-13.

Conditions:
NPHP4-related disorder. Also called: NPHP4-related disorders; NPHP4-related condition. Identifiers: MedGen CN239384.
Nephronophthisis. Also called: Juvenile Nephronophthisis. Identifiers: Orphanet 655, MedGen C0687120, MONDO:0019005, HP:0000090.

Submissions (2):

Labcorp Genetics (formerly Invitae), Labcorp
Classification: Uncertain significance for Nephronophthisis. Last evaluated: 2022-10-13. Review status: criteria provided, single submitter. Criteria: Invitae Variant Classification Sherloc (09022015). Collection method: clinical testing. Allele origin: germline.
Comment: This sequence change replaces tryptophan, which is neutral and slightly polar, with glycine, which is neutral and non-polar, at codon 394 of the NPHP4 protein (p.Trp394Gly). This variant is not present in population databases (gnomAD no frequency). This variant has not been reported in the literature in individuals affected with NPHP4-related conditions. ClinVar contains an entry for this variant (Variation ID: 1461225). Advanced modeling of protein sequence and biophysical properties (such as structural, functional, and spatial information, amino acid conservation, physicochemical variation, residue mobility, and thermodynamic stability) performed at Invitae indicates that this missense variant is expected to disrupt NPHP4 protein function. In summary, the available evidence is currently insufficient to determine the role of this variant in disease. Therefore, it has been classified as a Variant of Uncertain Significance.

PreventionGenetics, part of Exact Sciences
Classification: Uncertain significance for NPHP4-related condition. Last evaluated: 2024-08-06. Review status: no assertion criteria provided. Collection method: clinical testing. Allele origin: germline. Not counted in ClinVar's aggregate classification.
Comment: The NPHP4 c.1180T>G variant is predicted to result in the amino acid substitution p.Trp394Gly. To our knowledge, this variant has not been reported in the literature or in a large population database, indicating this variant is rare. At this time, the clinical significance of this variant is uncertain due to the absence of conclusive functional and genetic evidence.